The following is an entry in ClinVar:

NM_000368.5(TSC1):c.2931del (p.Lys977fs)

Gene: TSC1 (TSC complex subunit 1; minus strand). Cytogenetic location: 9q34.13.
Variant type: Deletion.
Coding change: c.2931del on transcript NM_000368.5 (MANE Select); coding-DNA position 2931, one base deleted (A; older notation c.2931delA).
Protein change: p.Lys977fs; shifts the reading frame from lysine 977.
Molecular consequence: frameshift variant.
Genome position (GRCh38, 1-based): chr9:132,897,228, T deleted on the plus strand (A on the coding strand, the reverse complement: TSC1 is on the minus strand); the first of 6 consecutive T bases (chr9:132,897,228-132,897,233); deleting any one gives the same sequence. VCF-style (leftmost placement, unchanged base first): chr9-132897227-GT-G. GRCh37 (hg19) VCF-style: chr9-135772614-GT-G.
Other names: c.2928del, p.Lys976fs (NM_001162426.2); c.2778del, p.Lys926fs (NM_001162427.2); c.2568del, p.Lys856fs (NM_001362177.2); short protein forms K856fs, K926fs, K976fs, K977fs.
Identifiers: ClinVar variation 1022389 (VCV001022389.6), dbSNP rs1845120600, ClinGen allele CA1882400649.

ClinVar aggregate classification (germline): Uncertain significance (1 of 4 stars; one submission).

Conditions:
Tuberous sclerosis 1 (TSC1). Identifiers: Orphanet 805, MedGen C1854465, MONDO:0008612, OMIM 191100.

Submission:

Labcorp Genetics (formerly Invitae), Labcorp
Classification: Uncertain significance for Tuberous sclerosis 1. Last evaluated: 2020-10-06. Review status: criteria provided, single submitter. Criteria: Invitae Variant Classification Sherloc (09022015). Collection method: clinical testing. Allele origin: germline.
Comment: This sequence change results in a premature translational stop signal in the TSC1 gene (p.Lys977Asnfs*29). While this is not anticipated to result in nonsense mediated decay, it is expected to disrupt the last 188 amino acids of the TSC1 protein. This variant is not present in population databases (ExAC no frequency). This variant has not been reported in the literature in individuals with TSC1-related conditions. In summary, the available evidence is currently insufficient to determine the role of this variant in disease. Therefore, it has been classified as a Variant of Uncertain Significance.